The following is an entry in ClinVar:

ClinVar aggregate classification (germline): Pathogenic (1 of 4 stars; one submission).

Conditions:
Autosomal recessive polycystic kidney disease (ARPKD). Also called: AR polycystic kidney disease. Identifiers: Orphanet 731, Orphanet 8378, MedGen C0085548, MeSH D017044, MONDO:0009889.

Submission:

Labcorp Genetics (formerly Invitae), Labcorp
Classification: Pathogenic for Autosomal recessive polycystic kidney disease. Last evaluated: 2019-02-04. Review status: criteria provided, single submitter. Criteria: Invitae Variant Classification Sherloc (09022015). Collection method: clinical testing. Allele origin: germline.
Comment: For these reasons, this variant has been classified as Pathogenic. Loss-of-function variants in PKHD1 are known to be pathogenic (PMID: 19940839). This sequence change creates a premature translational stop signal (p.Gln2190*) in the PKHD1 gene. It is expected to result in an absent or disrupted protein product. This variant is not present in population databases (ExAC no frequency). This variant has not been reported in the literature in individuals with PKHD1-related conditions.

Literature cited by the submitters: PubMed 19940839.

NM_138694.4(PKHD1):c.6568C>T (p.Gln2190Ter)

Gene: PKHD1 (PKHD1 ciliary IPT domain containing fibrocystin/polyductin; minus strand). Cytogenetic location: 6p12.2.
Variant type: single nucleotide variant.
Coding change: c.6568C>T on transcript NM_138694.4 (MANE Select); coding-DNA position 6568, C replaced by T.
Protein change: p.Gln2190Ter; replaces glutamine 2190 with a stop codon.
Molecular consequence: nonsense.
Genome position (GRCh38, 1-based): chr6:51,909,397, G>A on the plus strand (C>T on the coding strand, the complement: PKHD1 is on the minus strand). VCF-style: chr6-51909397-G-A. GRCh37 (hg19) VCF-style: chr6-51774195-G-A.
Other names: c.6568C>T, p.Gln2190Ter (NM_170724.3); short protein forms Q2190*.
Identifiers: ClinVar variation 836470 (VCV000836470.8), dbSNP rs1782629977, ClinGen allele CA364435089.